The following is an entry in ClinVar:

NM_001159773.2(CANT1):c.1056C>T (p.Asn352=)

Gene: CANT1 (calcium activated nucleotidase 1; minus strand). Cytogenetic location: 17q25.3.
Variant type: single nucleotide variant.
Coding change: c.1056C>T on transcript NM_001159773.2 (MANE Select); coding-DNA position 1056, C replaced by T.
Protein change: p.Asn352=; no amino-acid change (asparagine 352 retained).
Molecular consequence: synonymous variant.
Genome position (GRCh38, 1-based): chr17:78,993,700, G>A on the plus strand (C>T on the coding strand, the complement: CANT1 is on the minus strand). VCF-style: chr17-78993700-G-A. GRCh37 (hg19) VCF-style: chr17-76989782-G-A.
Other names: c.1056C>T, p.Asn352= (NM_001159772.2, NM_138793.4).
Identifiers: ClinVar variation 325696 (VCV000325696.16), dbSNP rs3803781, ClinGen allele CA8808528.
Genomic context (GRCh38, chr17:78,993,700, plus strand): 5'-GGAGGCGACTCTGCCGCTGTCCTCCTCGGATTTGAGGGCCACAATGATCTGGTCGTCGGT[G>A]TTGGGGATGAACTTGAAGGACGAGAAGCCGTGAGTGGGGACCACCGCCCCGACGTGGCTC-3'
Protein context (NP_001153245.1, residues 342-362): HGFSSFKFIP[Asn352=]TDDQIIVALK

ClinVar aggregate classification (germline): Benign. Review status: criteria provided, multiple submitters, no conflicts (2 of 4 stars). 4 submissions from 4 submitters: Benign (4). Last evaluated 2026-02-02.

Conditions:
Desbuquois dysplasia 1 (DBQD1). Also called: MICROMELIC DWARFISM WITH VERTEBRAL AND METAPHYSEAL ABNORMALITIES AND ADVANCED CARPOTARSAL OSSIFICATION; DESBUQUOIS DYSPLASIA 1, KIM VARIANT. Identifiers: Orphanet 1425, MedGen C4012146, MONDO:0009629, OMIM 251450.

Allele frequency attached by ClinVar (database versions not stated): gnomAD exomes 0.02976 and 0.03928; ESP Exome Variant Server 0.03398; gnomAD 0.03451 and 0.03709; TOPMed 0.03657; ExAC 0.04112; 1000 Genomes Project 30x 0.06886; 1000 Genomes Project 0.07109.
gnomAD v4.1: 49,545 of 1,614,200 alleles (3.1%); highest among the groups gnomAD compares: East Asian, 15%; 1,371 homozygotes.

Submissions (4):

Labcorp Genetics (formerly Invitae), Labcorp
Classification: Benign. Last evaluated: 2026-02-02. Review status: criteria provided, single submitter. Criteria: Invitae Variant Classification Sherloc (09022015). Collection method: clinical testing. Allele origin: germline.

GeneDx
Classification: Benign. Last evaluated: 2021-05-05. Review status: criteria provided, single submitter. Criteria: GeneDx Variant Classification Process June 2021. Collection method: clinical testing. Allele origin: germline. Affected: yes.

Illumina Laboratory Services, Illumina
Classification: Benign for Desbuquois dysplasia 1. Last evaluated: 2018-01-12. Review status: criteria provided, single submitter. Criteria: ICSL Variant Classification Criteria 13 December 2019. Collection method: clinical testing. Allele origin: germline.
Comment: This variant was observed in the ICSL laboratory as part of a predisposition screen in an ostensibly healthy population. It had not been previously curated by ICSL or reported in the Human Gene Mutation Database (HGMD: prior to June 1st, 2018), and was therefore a candidate for classification through an automated scoring system. Utilizing variant allele frequency, disease prevalence and penetrance estimates, and inheritance mode, an automated score was calculated to assess if this variant is too frequent to cause the disease. Based on the score and internal cut-off values, a variant classified as benign is not then subjected to further curation. The score for this variant resulted in a classification of benign for this disease.

Breakthrough Genomics
Classification: Benign. Review status: criteria provided, single submitter. Criteria: ACMG Guidelines, 2015. Collection method: not provided. Allele origin: germline. Inheritance: Autosomal recessive inheritance. Affected: yes.